The following is an entry in ClinVar:

ClinVar aggregate classification (germline): Uncertain significance. Review status: criteria provided, multiple submitters, no conflicts (2 of 4 stars). 3 submissions from 3 submitters: Uncertain significance (3). Last evaluated 2023-03-28.

Conditions:
Inborn genetic diseases. Identifiers: MedGen C0950123, MeSH D030342.

Allele frequency attached by ClinVar (database versions not stated): ExAC 0.00001; gnomAD 0.00002; gnomAD exomes 0.00002; TOPMed 0.00002.
gnomAD v4.1: 35 of 1,613,946 alleles (0.0022%); highest among the groups gnomAD compares: African/African-American, 0.0053%; no homozygotes.

Submissions (3):

GeneDx
Classification: Uncertain significance. Last evaluated: 2023-03-28. Review status: criteria provided, single submitter. Criteria: GeneDx Variant Classification Process June 2021. Collection method: clinical testing. Allele origin: germline. Affected: yes.
Comment: Not observed at significant frequency in large population cohorts (gnomAD); In silico analysis supports that this missense variant does not alter protein structure/function; Has not been previously published as pathogenic or benign to our knowledge

Ambry Genetics
Classification: Uncertain significance for Inborn genetic diseases. Last evaluated: 2022-12-28. Review status: criteria provided, single submitter. Criteria: Ambry Variant Classification Scheme 2023. Collection method: clinical testing. Allele origin: germline.

Laboratory for Molecular Medicine, Mass General Brigham Personalized Medicine
Classification: Uncertain significance. Last evaluated: 2017-05-21. Review status: criteria provided, single submitter. Criteria: LMM Criteria. Collection method: clinical testing. Allele origin: germline. Observed: 2 variant alleles.
Comment: The p.Val375Met variant in TMPRSS3 has not been previously reported in individua ls with hearing loss, but has been identified in 3/111694 European chromosomes b y the Genome Aggregation Database (gnomAD; dbS NP rs775508015). Although this variant has been seen in the general population, its frequency is not high enough to rule out a pathogenic role. Computational pr ediction tools and conservation analyses do not provide strong support for or ag ainst an impact to the protein. In summary, the clinical significance of the p.V al375Met variant is uncertain.

NM_001256317.3(TMPRSS3):c.1120G>A (p.Val374Met)

Gene: TMPRSS3 (transmembrane serine protease 3; minus strand). Cytogenetic location: 21q22.3.
Variant type: single nucleotide variant.
Coding change: c.1120G>A on transcript NM_001256317.3 (MANE Select); coding-DNA position 1120, G replaced by A.
Protein change: p.Val374Met; replaces valine 374 with methionine.
Molecular consequence: missense variant.
Genome position (GRCh38, 1-based): chr21:42,376,612, C>T on the plus strand (G>A on the coding strand, the complement: TMPRSS3 is on the minus strand). VCF-style: chr21-42376612-C-T. GRCh37 (hg19) VCF-style: chr21-43796721-C-T.
Other names: c.1123G>A, p.Val375Met (NM_024022.4); c.742G>A, p.Val248Met (NM_032404.3); short protein forms V375M, V374M, V248M.
Identifiers: ClinVar variation 517358 (VCV000517358.8), dbSNP rs775508015, ClinGen allele CA10042336.
Genomic context (GRCh38, chr21:42,376,612, plus strand): 5'-CCACGCCACCCGTCAGGTAGCCCGCGCAGAGCATGGAGGGGGAGATGATGCCACCGTACA[C>T]GTCCCTGTGGTTGCAGATCTTGTTGGAAATCAAAGGGACGGCCGCGTGGTTCAGGACAGG-3'
Protein context (NP_001243246.1, residues 364-384): ISNKICNHRD[Val374Met]YGGIISPSML